The following is an entry in ClinVar:

ClinVar aggregate classification (germline): Uncertain significance (1 of 4 stars; one submission).

gnomAD v4.1: 9 of 1,449,434 alleles (0.00062%); highest among the groups gnomAD compares: South Asian, 0.0017%; no homozygotes.

Submission:

Labcorp Genetics (formerly Invitae), Labcorp
Classification: Uncertain significance. Last evaluated: 2022-06-23. Review status: criteria provided, single submitter. Criteria: Invitae Variant Classification Sherloc (09022015). Collection method: clinical testing. Allele origin: germline.
Comment: This sequence change replaces alanine, which is neutral and non-polar, with serine, which is neutral and polar, at codon 156 of the ADGRV1 protein (p.Ala156Ser). This variant is not present in population databases (gnomAD no frequency). This variant has not been reported in the literature in individuals affected with ADGRV1-related conditions. Algorithms developed to predict the effect of missense changes on protein structure and function output the following: SIFT: "Tolerated"; PolyPhen-2: "Benign"; Align-GVGD: "Class C0". The serine amino acid residue is found in multiple mammalian species, which suggests that this missense change does not adversely affect protein function. In summary, the available evidence is currently insufficient to determine the role of this variant in disease. Therefore, it has been classified as a Variant of Uncertain Significance.

NM_032119.4(ADGRV1):c.466G>T (p.Ala156Ser)

Gene: ADGRV1 (adhesion G protein-coupled receptor V1; plus strand). Cytogenetic location: 5q14.3.
Variant type: single nucleotide variant.
Coding change: c.466G>T on transcript NM_032119.4 (MANE Select); coding-DNA position 466, G replaced by T.
Protein change: p.Ala156Ser; replaces alanine 156 with serine.
Molecular consequence: missense variant. On other transcripts: non-coding transcript variant (1).
Genome position (GRCh38, 1-based): chr5:90,622,609, G>T. VCF-style: chr5-90622609-G-T. GRCh37 (hg19) VCF-style: chr5-89918426-G-T.
Other names: short protein forms A156S.
Identifiers: ClinVar variation 1959801 (VCV001959801.2), dbSNP rs201180985, ClinGen allele CA121821961.